The following is an entry in ClinVar:

NM_000441.2(SLC26A4):c.227C>T (p.Pro76Leu)

Gene: SLC26A4 (solute carrier family 26 member 4; plus strand). Cytogenetic location: 7q22.3.
Variant type: single nucleotide variant.
Coding change: c.227C>T on transcript NM_000441.2 (MANE Select); coding-DNA position 227, C replaced by T.
Protein change: p.Pro76Leu; replaces proline 76 with leucine.
Molecular consequence: missense variant.
Genome position (GRCh38, 1-based): chr7:107,663,358, C>T. VCF-style: chr7-107663358-C-T. GRCh37 (hg19) VCF-style: chr7-107303803-C-T.
Other names: short protein forms P76L.
Identifiers: ClinVar variation 551009 (VCV000551009.8), dbSNP rs1345175795, ClinGen allele CA368845438.
Genomic context (GRCh38, chr7:107,663,358, plus strand): 5'-GTTCAAGAAAGAGAGCCTTTGGTGTGCTAAAGACTCTTGTGCCCATCTTGGAGTGGCTCC[C>T]CAAATACCGAGTCAAGGAATGGCTGCTTAGTGACGTCATTTCGGGAGTTAGTACTGGGCT-3'
Protein context (NP_000432.1, residues 66-86): KTLVPILEWL[Pro76Leu]KYRVKEWLLS

ClinVar aggregate classification (germline): Pathogenic/Likely pathogenic. Review status: criteria provided, multiple submitters, no conflicts (2 of 4 stars). 4 submissions from 4 submitters: Pathogenic (2); Likely pathogenic (1). 1 of the submissions does not count toward it. Last evaluated 2025-08-11.

Conditions:
Pendred syndrome (PDS). Also called: Pendred's syndrome; Pendred Syndrome (PDS); DEAFNESS WITH GOITER; GOITER-DEAFNESS SYNDROME; HYPOTHYROIDISM, CONGENITAL, DUE TO DYSHORMONOGENESIS, 2B; THYROID DYSHORMONOGENESIS 2B. Identifiers: Orphanet 705, MedGen C0271829, MONDO:0010134, OMIM 274600.

Allele frequency attached by ClinVar (database versions not stated): gnomAD exomes below 0.00001.
gnomAD v4.1: 1 of 1,614,048 alleles (0.000062%); highest among the groups gnomAD compares: East Asian, 0.0022%; no homozygotes.

Submissions (4):

Myriad Genetics, Inc.
Classification: Likely pathogenic for Pendred syndrome. Last evaluated: 2025-08-11. Review status: criteria provided, single submitter. Criteria: Myriad Autosomal Dominant, Autosomal Recessive and X-Linked Classification Criteria (2023). Collection method: clinical testing. Allele origin: unknown.
Comment: NM_000441.1(SLC26A4):c.227C>T(P76L) is a missense variant classified as likely pathogenic in the context of Pendred syndrome. P76L has been observed in cases with relevant disease (PMID: 34170635, 25372295, 27792752, 17718863). Relevant functional assessments of this variant are not available in the literature. P76L has been observed in referenced population frequency databases. In summary, NM_000441.1(SLC26A4):c.227C>T(P76L) is a missense variant that has been observed more frequently in cases with the relevant disease than in healthy populations. Please note: this variant was assessed in the context of healthy population screening.

Natera, Inc.
Classification: Pathogenic for Pendred syndrome. Last evaluated: 2024-10-23. Review status: criteria provided, single submitter. Criteria: Natera Variant Classification Schema (03/2026). Collection method: clinical testing. Allele origin: germline.
Comment: The c.227C>T variant in SLC26A4 is a missense variant predicted to cause substitution of proline to leucine at amino acid 76. This variant is rare in the general population with a frequency below the threshold expected for the associated phenotype(s). This variant has been observed in one or more individuals affected with the associated recessive disease, as either homozygous or compound heterozygous with a second variant (PMID: 17718863, 25372295, 27792752, 38860500). Computational prediction algorithms indicate this variant is likely to affect gene or protein function. Given the available evidence, this variant is classified as Pathogenic.

Labcorp Genetics (formerly Invitae), Labcorp
Classification: Pathogenic. Last evaluated: 2023-09-21. Review status: criteria provided, single submitter. Criteria: Invitae Variant Classification Sherloc (09022015). Collection method: clinical testing. Allele origin: germline.
Comment: Advanced modeling of protein sequence and biophysical properties (such as structural, functional, and spatial information, amino acid conservation, physicochemical variation, residue mobility, and thermodynamic stability) performed at Invitae indicates that this missense variant is expected to disrupt SLC26A4 protein function. For these reasons, this variant has been classified as Pathogenic. ClinVar contains an entry for this variant (Variation ID: 551009). This missense change has been observed in individual(s) with nonsyndromic enlargement of vestibular aqueduct (PMID: 17718863, 25372295). In at least one individual the data is consistent with being in trans (on the opposite chromosome) from a pathogenic variant. This variant is present in population databases (no rsID available, gnomAD 0.006%). This sequence change replaces proline, which is neutral and non-polar, with leucine, which is neutral and non-polar, at codon 76 of the SLC26A4 protein (p.Pro76Leu).

Counsyl
Classification: Likely pathogenic for Pendred syndrome. Last evaluated: 2017-03-07. Review status: no assertion criteria provided. Collection method: clinical testing. Allele origin: unknown. Not counted in ClinVar's aggregate classification.

Literature cited by the submitters: PubMed 17718863 (cited by 4 submitters); PubMed 25372295 (cited by 4 submitters); PubMed 27792752 (cited by 3 submitters); PubMed 34170635 (cited by Myriad Genetics, Inc.); PubMed 38860500 (cited by Natera, Inc.).